The following is an entry in ClinVar:

ClinVar aggregate classification (germline): Uncertain significance (1 of 4 stars; one submission).

Submission:

Labcorp Genetics (formerly Invitae), Labcorp
Classification: Uncertain significance. Last evaluated: 2025-03-31. Review status: criteria provided, single submitter. Criteria: Invitae Variant Classification Sherloc (09022015). Collection method: clinical testing. Allele origin: germline.
Comment: This sequence change replaces threonine, which is neutral and polar, with isoleucine, which is neutral and non-polar, at codon 924 of the EMC1 protein (p.Thr924Ile). This variant is not present in population databases (gnomAD no frequency). This variant has not been reported in the literature in individuals affected with EMC1-related conditions. Invitae Evidence Modeling of protein sequence and biophysical properties (such as structural, functional, and spatial information, amino acid conservation, physicochemical variation, residue mobility, and thermodynamic stability) indicates that this missense variant is expected to disrupt EMC1 protein function with a positive predictive value of 80%. In summary, the available evidence is currently insufficient to determine the role of this variant in disease. Therefore, it has been classified as a Variant of Uncertain Significance.

NM_015047.3(EMC1):c.2771C>T (p.Thr924Ile)

Genes: EMC1 (ER membrane protein complex subunit 1; minus strand), EMC1-AS1 (EMC1 antisense RNA 1; plus strand). Cytogenetic location: 1p36.13.
Variant type: single nucleotide variant.
Coding change: c.2771C>T on transcript NM_015047.3 (MANE Select); coding-DNA position 2771, C replaced by T.
Protein change: p.Thr924Ile; replaces threonine 924 with isoleucine.
Molecular consequence: missense variant.
Genome position (GRCh38, 1-based): chr1:19,219,600, G>A on the plus strand (C>T on the coding strand, the complement: EMC1 is on the minus strand). VCF-style: chr1-19219600-G-A. GRCh37 (hg19) VCF-style: chr1-19546094-G-A.
Other names: c.2768C>T, p.Thr923Ile (NM_001271427.2, NM_001271428.2); c.2705C>T, p.Thr902Ile (NM_001271429.2); c.2780C>T, p.Thr927Ile (NM_001375820.1); c.2777C>T, p.Thr926Ile (NM_001375821.1); short protein forms T923I, T924I, T902I, T926I, T927I.
Identifiers: ClinVar variation 3667227 (VCV003667227.2).